The following is an entry in ClinVar:

ClinVar aggregate classification (germline): Pathogenic/Likely pathogenic. Review status: criteria provided, multiple submitters, no conflicts (2 of 4 stars). 2 submissions from 2 submitters: Pathogenic (1); Likely pathogenic (1). Last evaluated 2022-01-04.

Conditions:
Duchenne muscular dystrophy (DMD). Also called: Duchenne Muscular Dystrophy (DMD); MUSCULAR DYSTROPHY, PSEUDOHYPERTROPHIC PROGRESSIVE, DUCHENNE TYPE. Identifiers: Orphanet 98896, MedGen C0013264, MONDO:0010679, OMIM 310200.

Submissions (2):

ARUP Laboratories, Molecular Genetics and Genomics, ARUP Laboratories
Classification: Pathogenic. Last evaluated: 2022-01-04. Review status: criteria provided, single submitter. Criteria: ARUP Molecular Germline Variant Investigation Process 2021. Collection method: clinical testing. Allele origin: germline.
Comment: The DMD c.631A>T; p.Lys211Ter variant, to our knowledge, is not reported in the medical literature or gene specific databases. This variant is also absent from general population databases (Exome Variant Server, Genome Aggregation Database), indicating it is not a common polymorphism. This variant induces an early termination codon and is predicted to result in a truncated protein or mRNA subject to nonsense-mediated decay. Additionally, other variants that introduce a premature termination codon have been described in this region and are considered pathogenic (Flanigan 2009). Based on available information, this variant is classified as pathogenic. References: Flanigan KM et al. Mutational spectrum of DMD mutations in dystrophinopathy patients: application of modern diagnostic techniques to a large cohort. Hum Mutat. 2009 Dec;30(12):1657-66PMID: 19937601.

Neuberg Centre For Genomic Medicine, NCGM
Classification: Likely pathogenic for Duchenne muscular dystrophy. Review status: criteria provided, single submitter. Criteria: ACMG Guidelines, 2015. Collection method: clinical testing. Allele origin: germline. Inheritance: X-linked recessive inheritance. Affected: yes.
Comment: The stop gained p.K211* in DMD (NM_004006.3) has not been reported previously as a pathogenic variant nor as a benign variant, to our knowledge. The p.K211* variant is novel (not in any individuals) in gnomAD Exomes and is novel (not in any individuals) in 1000 Genomes. This variant is predicted to cause loss of normal protein function through protein truncation. The p.K211* variant is a loss of function variant in the gene DMD, which is intolerant of Loss of Function variants, as indicated by the presence of existing pathogenic loss of function variant NP_003997.2:p.W3* and 930 others. There are 762 downstream pathogenic loss of function variants, with the furthest variant being 3394 residues downstream of the variant p.K211*. For these reasons, this variant has been classified as Likely Pathogenic

NM_004006.3(DMD):c.631A>T (p.Lys211Ter)

Gene: DMD (dystrophin; minus strand). Cytogenetic location: Xp21.1.
Variant type: single nucleotide variant.
Coding change: c.631A>T on transcript NM_004006.3 (MANE Select); coding-DNA position 631, A replaced by T.
Protein change: p.Lys211Ter; replaces lysine 211 with a stop codon.
Molecular consequence: nonsense.
Genome position (GRCh38, 1-based): chrX:32,809,511, T>A on the plus strand (A>T on the coding strand, the complement: DMD is on the minus strand). VCF-style: chrX-32809511-T-A. GRCh37 (hg19) VCF-style: chrX-32827628-T-A.
Other names: c.607A>T, p.Lys203Ter (NM_000109.4); c.619A>T, p.Lys207Ter (NM_004009.3); c.262A>T, p.Lys88Ter (NM_004010.3); c.631A>T (NM_004006.2); short protein forms K203*, K207*, K211*, K88*.
Identifiers: ClinVar variation 1679454 (VCV001679454.7), dbSNP rs2148750714, ClinGen allele CA412673791.